The following is an entry in ClinVar:

NM_001080467.3(MYO5B):c.2861C>T (p.Thr954Ile)

Gene: MYO5B (myosin VB; minus strand). Cytogenetic location: 18q21.1.
Variant type: single nucleotide variant.
Coding change: c.2861C>T on transcript NM_001080467.3 (MANE Select); coding-DNA position 2861, C replaced by T.
Protein change: p.Thr954Ile; replaces threonine 954 with isoleucine.
Molecular consequence: missense variant.
Genome position (GRCh38, 1-based): chr18:49,895,125, G>A on the plus strand (C>T on the coding strand, the complement: MYO5B is on the minus strand). VCF-style: chr18-49895125-G-A. GRCh37 (hg19) VCF-style: chr18-47421495-G-A.
Other names: short protein forms T954I.
Identifiers: ClinVar variation 1381364 (VCV001381364.7), dbSNP rs1233634156, ClinGen allele CA402430133.

ClinVar aggregate classification (germline): Uncertain significance (1 of 4 stars; one submission).

Allele frequency attached by ClinVar (database versions not stated): gnomAD exomes below 0.00001; TOPMed below 0.00001; gnomAD 0.00001.
gnomAD v4.1: 2 of 1,613,872 alleles (0.00012%); highest among the groups gnomAD compares: Non-Finnish European, 0.00017%; no homozygotes.

Submission:

Labcorp Genetics (formerly Invitae), Labcorp
Classification: Uncertain significance. Last evaluated: 2022-10-17. Review status: criteria provided, single submitter. Criteria: Invitae Variant Classification Sherloc (09022015). Collection method: clinical testing. Allele origin: germline.
Comment: In summary, the available evidence is currently insufficient to determine the role of this variant in disease. Therefore, it has been classified as a Variant of Uncertain Significance. Advanced modeling of protein sequence and biophysical properties (such as structural, functional, and spatial information, amino acid conservation, physicochemical variation, residue mobility, and thermodynamic stability) performed at Invitae indicates that this missense variant is not expected to disrupt MYO5B protein function. ClinVar contains an entry for this variant (Variation ID: 1381364). This variant has not been reported in the literature in individuals affected with MYO5B-related conditions. This variant is present in population databases (no rsID available, gnomAD 0.0009%). This sequence change replaces threonine, which is neutral and polar, with isoleucine, which is neutral and non-polar, at codon 954 of the MYO5B protein (p.Thr954Ile).